The following is an entry in ClinVar:

ClinVar aggregate classification (germline): Uncertain significance (1 of 4 stars; one submission).

Conditions:
Hereditary cancer-predisposing syndrome. Also called: Neoplastic Syndromes, Hereditary; Tumor predisposition; Hereditary Cancer Syndrome; Hereditary neoplastic syndrome. Identifiers: Orphanet 140162, MedGen C0027672, MeSH D009386, MONDO:0015356.

Allele frequency attached by ClinVar (database versions not stated): gnomAD exomes below 0.00001; ExAC 0.00001.
gnomAD v4.1: 3 of 1,614,056 alleles (0.00019%); highest among the groups gnomAD compares: South Asian, 0.0011%; no homozygotes.

Submission:

Ambry Genetics
Classification: Uncertain significance for Hereditary cancer-predisposing syndrome. Last evaluated: 2025-09-12. Review status: criteria provided, single submitter. Criteria: Ambry Variant Classification Scheme 2023. Collection method: clinical testing. Allele origin: germline.
Comment: The p.A158T variant (also known as c.472G>A), located in coding exon 3 of the CHEK2 gene, results from a G to A substitution at nucleotide position 472. The alanine at codon 158 is replaced by threonine, an amino acid with similar properties. This amino acid position is well conserved in available vertebrate species. In addition, this alteration is predicted to be tolerated by in silico analysis. Based on the available evidence, the clinical significance of this variant remains unclear.

NM_007194.4(CHEK2):c.472G>A (p.Ala158Thr)

Gene: CHEK2 (checkpoint kinase 2; minus strand). Cytogenetic location: 22q12.1.
Variant type: single nucleotide variant.
Coding change: c.472G>A on transcript NM_007194.4 (MANE Select); coding-DNA position 472, G replaced by A.
Protein change: p.Ala158Thr; replaces alanine 158 with threonine.
Molecular consequence: missense variant. On other transcripts: 5 prime UTR variant (2), intron variant (1).
Genome position (GRCh38, 1-based): chr22:28,725,097, C>T on the plus strand (G>A on the coding strand, the complement: CHEK2 is on the minus strand). VCF-style: chr22-28725097-C-T. GRCh37 (hg19) VCF-style: chr22-29121085-C-T.
Other names: c.601G>A, p.Ala201Thr (NM_001005735.3, NM_001438294.1); c.-306G>A (NM_001257387.3); c.-192G>A (NM_001437942.1); c.565G>A, p.Ala189Thr (NM_001438293.1, NM_001438295.1); c.472G>A, p.Ala158Thr (NM_145862.3); c.444+146G>A (NM_001349956.3); short protein forms A158T, A201T, A189T.
Identifiers: ClinVar variation 187724 (VCV000187724.6), dbSNP rs755934632, ClinGen allele CA198413.